The following is an entry in ClinVar:

ClinVar aggregate classification (germline): Uncertain significance (1 of 4 stars; one submission).

Submission:

Labcorp Genetics (formerly Invitae), Labcorp
Classification: Uncertain significance. Last evaluated: 2022-06-20. Review status: criteria provided, single submitter. Criteria: Invitae Variant Classification Sherloc (09022015). Collection method: clinical testing. Allele origin: germline.
Comment: In summary, the available evidence is currently insufficient to determine the role of this variant in disease. Therefore, it has been classified as a Variant of Uncertain Significance. Algorithms developed to predict the effect of missense changes on protein structure and function are either unavailable or do not agree on the potential impact of this missense change (SIFT: "Deleterious"; PolyPhen-2: "Probably Damaging"; Align-GVGD: "Class C0"). This variant has not been reported in the literature in individuals affected with PEX11B-related conditions. This variant is not present in population databases (gnomAD no frequency). This sequence change replaces proline, which is neutral and non-polar, with arginine, which is basic and polar, at codon 221 of the PEX11B protein (p.Pro221Arg).

NM_003846.3(PEX11B):c.662C>G (p.Pro221Arg)

Gene: PEX11B (peroxisomal biogenesis factor 11 beta; minus strand). Cytogenetic location: 1q21.1.
Variant type: single nucleotide variant.
Coding change: c.662C>G on transcript NM_003846.3 (MANE Select); coding-DNA position 662, C replaced by G.
Protein change: p.Pro221Arg; replaces proline 221 with arginine.
Molecular consequence: missense variant. On other transcripts: non-coding transcript variant (3).
Genome position (GRCh38, 1-based): chr1:145,912,279, G>C on the plus strand (C>G on the coding strand, the complement: PEX11B is on the minus strand). VCF-style: chr1-145912279-G-C. GRCh37 (hg19) VCF-style: chr1-145522801-C-G.
Other names: c.620C>G, p.Pro207Arg (NM_001184795.1); short protein forms P207R, P221R.
Identifiers: ClinVar variation 2008702 (VCV002008702.4), dbSNP rs2525401687, ClinGen allele CA342120609.